The following is an entry in ClinVar:

NM_000340.2(SLC2A2):c.970dup (p.Tyr324fs)

Gene: SLC2A2 (solute carrier family 2 member 2; minus strand). Cytogenetic location: 3q26.2.
Variant type: Duplication.
Coding change: c.970dup on transcript NM_000340.2 (MANE Select); coding-DNA position 970, one base duplicated (T; older notation c.970dupT).
Protein change: p.Tyr324fs; shifts the reading frame from tyrosine 324.
Molecular consequence: frameshift variant.
Genome position (GRCh38, 1-based): chr3:171,002,674, A duplicated on the plus strand (T on the coding strand, the reverse complement: SLC2A2 is on the minus strand); the first of 6 consecutive A bases (chr3:171,002,674-171,002,679); duplicating any one gives the same sequence. VCF-style (leftmost placement, unchanged base first): chr3-171002673-T-TA. GRCh37 (hg19) VCF-style: chr3-170720462-T-TA.
Other names: c.613dup, p.Tyr205fs (NM_001278658.2); c.451dup, p.Tyr151fs (NM_001278659.2); c.970dupT (NM_000340.1); short protein forms Y151fs, Y205fs, Y324fs.
Identifiers: ClinVar variation 573846 (VCV000573846.9), dbSNP rs1560033414, ClinGen allele CA891843417.

ClinVar aggregate classification (germline): Pathogenic (1 of 4 stars; one submission).

Conditions:
Fanconi-Bickel syndrome (FBS). Also called: HEPATIC GLYCOGENOSIS WITH AMINO ACIDURIA AND GLUCOSURIA; HEPATIC GLYCOGENOSIS WITH FANCONI NEPHROPATHY; HEPATORENAL GLYCOGENOSIS WITH RENAL FANCONI SYNDROME; PSEUDO-PHLORIZIN DIABETES; Glycogen storage disease due to GLUT2 deficiency; FANCONI SYNDROME WITH INTESTINAL MALABSORPTION AND GALACTOSE INTOLERANCE. Identifiers: Orphanet 2088, MedGen C3495427, MONDO:0009216, OMIM 227810.

Submission:

Labcorp Genetics (formerly Invitae), Labcorp
Classification: Pathogenic for Fanconi-Bickel syndrome. Last evaluated: 2018-08-26. Review status: criteria provided, single submitter. Criteria: Invitae Variant Classification Sherloc (09022015). Collection method: clinical testing. Allele origin: germline.
Comment: This sequence change creates a premature translational stop signal (p.Tyr324Leufs*69) in the SLC2A2 gene. It is expected to result in an absent or disrupted protein product. This variant is not present in population databases (ExAC no frequency). This variant has been observed to be de novo in an individual affected with autosomal recessive Fanconi-Bickel syndrome (PMID: 25919556). Loss-of-function variants in SLC2A2 are known to be pathogenic (PMID: 11810292). For these reasons, this variant has been classified as Pathogenic.

Literature cited by the submitters: PubMed 25919556; PubMed 11810292.